The following is an entry in ClinVar:

ClinVar aggregate classification (germline): Uncertain significance (1 of 4 stars; one submission).

Conditions:
Spastic paraplegia. Identifiers: MedGen C0037772, HP:0001258.

Allele frequency attached by ClinVar (database versions not stated): gnomAD 0.00001.
gnomAD v4.1: 1 of 1,614,072 alleles (0.000062%); highest among the groups gnomAD compares: African/African-American, 0.0013%; no homozygotes.

Submission:

Labcorp Genetics (formerly Invitae), Labcorp
Classification: Uncertain significance for Spastic paraplegia. Last evaluated: 2022-09-12. Review status: criteria provided, single submitter. Criteria: Invitae Variant Classification Sherloc (09022015). Collection method: clinical testing. Allele origin: germline.
Comment: In summary, the available evidence is currently insufficient to determine the role of this variant in disease. Therefore, it has been classified as a Variant of Uncertain Significance. Algorithms developed to predict the effect of missense changes on protein structure and function output the following: SIFT: "Tolerated"; PolyPhen-2: "Benign"; Align-GVGD: "Class C0". The alanine amino acid residue is found in multiple mammalian species, which suggests that this missense change does not adversely affect protein function. This variant has not been reported in the literature in individuals affected with ZFYVE26-related conditions. This variant is not present in population databases (gnomAD no frequency). This sequence change replaces threonine, which is neutral and polar, with alanine, which is neutral and non-polar, at codon 284 of the ZFYVE26 protein (p.Thr284Ala).

NM_015346.4(ZFYVE26):c.850A>G (p.Thr284Ala)

Gene: ZFYVE26 (zinc finger FYVE-type containing 26; minus strand). Cytogenetic location: 14q24.1.
Variant type: single nucleotide variant.
Coding change: c.850A>G on transcript NM_015346.4 (MANE Select); coding-DNA position 850, A replaced by G.
Protein change: p.Thr284Ala; replaces threonine 284 with alanine.
Molecular consequence: missense variant.
Genome position (GRCh38, 1-based): chr14:67,807,434, T>C on the plus strand (A>G on the coding strand, the complement: ZFYVE26 is on the minus strand). VCF-style: chr14-67807434-T-C. GRCh37 (hg19) VCF-style: chr14-68274151-T-C.
Other names: short protein forms T284A.
Identifiers: ClinVar variation 1940073 (VCV001940073.5), dbSNP rs2040203913, ClinGen allele CA390160655.